The following is an entry in ClinVar:

NM_001211.6(BUB1B):c.1648C>T (p.Arg550Ter)

Gene: BUB1B (BUB1 mitotic checkpoint serine/threonine kinase B; plus strand). Cytogenetic location: 15q15.1.
Variant type: single nucleotide variant.
Coding change: c.1648C>T on transcript NM_001211.6 (MANE Select); coding-DNA position 1648, C replaced by T.
Protein change: p.Arg550Ter; replaces arginine 550 with a stop codon.
Molecular consequence: nonsense.
Genome position (GRCh38, 1-based): chr15:40,202,608, C>T. VCF-style: chr15-40202608-C-T. GRCh37 (hg19) VCF-style: chr15-40494809-C-T.
Other names: short protein forms R550*.
Identifiers: ClinVar variation 438799 (VCV000438799.8), dbSNP rs767213728, ClinGen allele CA7475858.

ClinVar aggregate classification (germline): Pathogenic. Review status: criteria provided, single submitter (1 of 4 stars). 2 submissions from 2 submitters: Pathogenic (1). 1 of the submissions does not count toward it. Last evaluated 2025-08-06.

Conditions:
Mosaic variegated aneuploidy syndrome 1 (MVA1). Also called: Warburton-Anyane-Yeboa syndrome. Identifiers: Orphanet 1052, MedGen C1850343, MONDO:0009759, OMIM 257300.

Allele frequency attached by ClinVar (database versions not stated): gnomAD exomes below 0.00001; ExAC 0.00001; gnomAD 0.00001 and 0.00002; TOPMed 0.00002.
gnomAD v4.1: 6 of 1,613,952 alleles (0.00037%); highest among the groups gnomAD compares: African/African-American, 0.0027%; no homozygotes.

Submissions (2):

Labcorp Genetics (formerly Invitae), Labcorp
Classification: Pathogenic for Mosaic variegated aneuploidy syndrome 1. Last evaluated: 2025-08-06. Review status: criteria provided, single submitter. Criteria: Invitae Variant Classification Sherloc (09022015). Collection method: clinical testing. Allele origin: germline.
Comment: This sequence change creates a premature translational stop signal (p.Arg550*) in the BUB1B gene. It is expected to result in an absent or disrupted protein product. Loss-of-function variants in BUB1B are known to be pathogenic (PMID: 15475955, 21190457). This variant is present in population databases (rs767213728, gnomAD 0.007%). This premature translational stop signal has been observed in individual(s) with mosaic variegated aneuploidy (PMID: 28976722). ClinVar contains an entry for this variant (Variation ID: 438799). Algorithms developed to predict the effect of sequence changes on RNA splicing suggest that this variant may disrupt the consensus splice site. For these reasons, this variant has been classified as Pathogenic.

Donald Williams Parsons Laboratory, Baylor College of Medicine
Classification: Pathogenic for Mosaic variegated aneuploidy syndrome 1. Last evaluated: 2014-04-30. Review status: no assertion criteria provided. Collection method: research. Allele origin: maternal. Inheritance: Autosomal recessive inheritance. Observed: 1 variant allele, 1 heterozygote. Study: CSER-BASIC3. Not counted in ClinVar's aggregate classification.
Comment: This nonsense variant is categorized as deleterious according to ACMG guidelines (PMID:18414213). It would be pathogenic in a recessive state; heterozygotes would be carriers for the condition. LOH was not detected in the tumor in this region.

Literature cited by the submitters: PubMed 15475955 (cited by Labcorp Genetics (formerly Invitae), Labcorp); PubMed 21190457 (cited by Labcorp Genetics (formerly Invitae), Labcorp); PubMed 28976722 (cited by Labcorp Genetics (formerly Invitae), Labcorp); PubMed 26822237 (cited by Donald Williams Parsons Laboratory, Baylor College of Medicine).